The following is an entry in ClinVar:

NM_021830.5(TWNK):c.1101C>T (p.Ile367=)

Gene: TWNK (twinkle mtDNA helicase; plus strand). Cytogenetic location: 10q24.31.
Variant type: single nucleotide variant.
Coding change: c.1101C>T on transcript NM_021830.5 (MANE Select); coding-DNA position 1101, C replaced by T.
Protein change: p.Ile367=; no amino-acid change (isoleucine 367 retained).
Molecular consequence: synonymous variant. On other transcripts: non-coding transcript variant (4), intron variant (3).
Genome position (GRCh38, 1-based): chr10:100,989,311, C>T. VCF-style: chr10-100989311-C-T. GRCh37 (hg19) VCF-style: chr10-102749068-C-T.
Other names: p.Ile367=; c.1101C>T, p.Ile367= (NM_001163812.2); c.-119-333C>T (NM_001163814.2, NM_001163813.2); c.-57-395C>T (NM_001368275.1).
Identifiers: ClinVar variation 298501 (VCV000298501.17), dbSNP rs200798080, ClinGen allele CA5653164.
Genomic context (GRCh38, chr10:100,989,311, plus strand): 5'-CGGAGGCTTCAATCTTTCTCGTATTCTTCGTACCGCCCTGCCTGCCTGGCACAAGTCCAT[C>T]GTATCTTTCCGGCAGCTTCGGGAGGAGGTGCTAGGAGAACTGTCAAATGTGGAGCAAGCA-3'
Protein context (NP_068602.2, residues 357-377): RTALPAWHKS[Ile367=]VSFRQLREEV

ClinVar aggregate classification (germline): Conflicting classifications of pathogenicity. Review status: criteria provided, conflicting classifications (1 of 4 stars). 8 submissions from 5 submitters: Uncertain significance (3); Benign (2); Likely benign (3). Last evaluated 2026-01-12.

Conditions:
Sensory ataxic neuropathy, dysarthria, and ophthalmoparesis (SANDO). Also called: Ataxia Neuropathy Spectrum (ANS); Epilepsy, progressive myoclonic, type 5; SENSORY ATAXIC NEUROPATHY WITH MITOCHONDRIAL DNA DELETIONS, AUTOSOMAL RECESSIVE; Sensory ataxic neuropathy-dysarthria-ophthalmoparesis syndrome. Identifiers: Orphanet 70595, MedGen C1843851, MONDO:0011835, OMIM 607459.
Hereditary spastic paraplegia. Also called: Familial spastic paraparesis. Identifiers: Orphanet 685, MedGen C0037773, MONDO:0019064. Disease mechanism: loss of function.
Infantile onset spinocerebellar ataxia (MTDPS7). Also called: OHAHA SYNDROME; Mitochondrial DNA depletion syndrome 7 (hepatocerebral type); SPINOCEREBELLAR ATAXIA, INFANTILE, WITH SENSORY NEUROPATHY; OPHTHALMOPLEGIA, HYPOTONIA, ATAXIA, HYPOACUSIS, AND ATHETOSIS. Identifiers: Orphanet 1186, MedGen C1849096, MONDO:0010060, OMIM 271245.
Progressive external ophthalmoplegia with mitochondrial DNA deletions, autosomal dominant 3. Also called: PROGRESSIVE EXTERNAL OPHTHALMOPLEGIA, AUTOSOMAL DOMINANT 3. Identifiers: MedGen C1836439, MONDO:0012241, OMIM 609286.
Autosomal recessive cerebellar ataxia. Also called: Spinocerebellar Ataxia, Recessive; Spinocerebellar ataxia, autosomal recessive. Identifiers: Orphanet 1172, MedGen C5575375, MONDO:0015244.
TWNK-related disorder. Also called: TWNK-related condition.

Allele frequency attached by ClinVar (database versions not stated): gnomAD exomes 0.00002 and 0.00006; ExAC 0.00007; ESP Exome Variant Server 0.00008; gnomAD 0.00015 and 0.00018; TOPMed 0.00015; 1000 Genomes Project 30x 0.00047; 1000 Genomes Project 0.00060.
gnomAD v4.1: 63 of 1,614,160 alleles (0.0039%); highest among the groups gnomAD compares: African/African-American, 0.057%; no homozygotes.

Submissions (8):

Labcorp Genetics (formerly Invitae), Labcorp
Classification: Likely benign. Last evaluated: 2026-01-12. Review status: criteria provided, single submitter. Criteria: Invitae Variant Classification Sherloc (09022015). Collection method: clinical testing. Allele origin: germline.

PreventionGenetics, part of Exact Sciences
Classification: Likely benign for TWNK-related condition. Last evaluated: 2025-05-21. Review status: criteria provided, single submitter. Criteria: ACMG Guidelines, 2015. Collection method: clinical testing. Allele origin: germline.
Comment: This variant is classified as likely benign based on ACMG/AMP sequence variant interpretation guidelines (Richards et al. 2015 PMID: 25741868, with internal and published modifications).

Mayo Clinic Laboratories, Mayo Clinic
Classification: Likely benign. Last evaluated: 2025-03-24. Review status: criteria provided, single submitter. Criteria: ACMG Guidelines, 2015. Collection method: clinical testing. Allele origin: germline. Observed: 1 variant allele.
Comment: BP4, BP7

Genome Diagnostics Laboratory, The Hospital for Sick Children
Classification: Uncertain significance for Hereditary spastic paraplegia. Last evaluated: 2019-06-01. Review status: criteria provided, single submitter. Criteria: ACMG Guidelines, 2015. Collection method: clinical testing. Allele origin: germline. Affected: yes.

Illumina Laboratory Services, Illumina
Classification: Uncertain significance for Infantile onset spinocerebellar ataxia. Last evaluated: 2018-01-12. Review status: criteria provided, single submitter. Criteria: ICSL Variant Classification Criteria 13 December 2019. Collection method: clinical testing. Allele origin: germline.

Illumina Laboratory Services, Illumina
Classification: Benign for Progressive external ophthalmoplegia with mitochondrial DNA deletions, autosomal dominant 3. Last evaluated: 2018-01-12. Review status: criteria provided, single submitter. Criteria: ICSL Variant Classification Criteria 13 December 2019. Collection method: clinical testing. Allele origin: germline.
Comment: This variant was observed in the ICSL laboratory as part of a predisposition screen in an ostensibly healthy population. It had not been previously curated by ICSL or reported in the Human Gene Mutation Database (HGMD: prior to June 1st, 2018), and was therefore a candidate for classification through an automated scoring system. Utilizing variant allele frequency, disease prevalence and penetrance estimates, and inheritance mode, an automated score was calculated to assess if this variant is too frequent to cause the disease. Based on the score and internal cut-off values, a variant classified as benign is not then subjected to further curation. The score for this variant resulted in a classification of benign for this disease.

Illumina Laboratory Services, Illumina
Classification: Uncertain significance for Autosomal recessive cerebellar ataxia. Last evaluated: 2018-01-12. Review status: criteria provided, single submitter. Criteria: ICSL Variant Classification Criteria 13 December 2019. Collection method: clinical testing. Allele origin: germline.

Illumina Laboratory Services, Illumina
Classification: Benign for Sensory ataxic neuropathy-dysarthria-ophthalmoparesis syndrome. Last evaluated: 2018-01-12. Review status: criteria provided, single submitter. Criteria: ICSL Variant Classification Criteria 13 December 2019. Collection method: clinical testing. Allele origin: germline.
Comment: the same text as in the submission from Illumina Laboratory Services, Illumina above.